The following is an entry in ClinVar:

ClinVar aggregate classification (germline): Uncertain significance (1 of 4 stars; one submission).

Conditions:
Inborn genetic diseases. Identifiers: MedGen C0950123, MeSH D030342.

gnomAD v4.1: 1 of 1,613,818 alleles (0.000062%); highest among the groups gnomAD compares: Admixed American, 0.0017%; no homozygotes.

Submission:

Ambry Genetics
Classification: Uncertain significance for Inborn genetic diseases. Last evaluated: 2025-06-28. Review status: criteria provided, single submitter. Criteria: Ambry Variant Classification Scheme 2023. Collection method: clinical testing. Allele origin: germline.
Comment: The p.N296Y variant (also known as c.886A>T), located in coding exon 1 of the SAMD9 gene, results from an A to T substitution at nucleotide position 886. The asparagine at codon 296 is replaced by tyrosine, an amino acid with dissimilar properties. This amino acid position is conserved. In addition, this alteration is predicted to be tolerated by in silico analysis. Based on the available evidence, the clinical significance of this variant remains unclear.

NM_017654.4(SAMD9):c.886A>T (p.Asn296Tyr)

Gene: SAMD9 (sterile alpha motif domain containing 9; minus strand). Cytogenetic location: 7q21.2.
Variant type: single nucleotide variant.
Coding change: c.886A>T on transcript NM_017654.4 (MANE Select); coding-DNA position 886, A replaced by T.
Protein change: p.Asn296Tyr; replaces asparagine 296 with tyrosine.
Molecular consequence: missense variant.
Genome position (GRCh38, 1-based): chr7:93,105,212, T>A on the plus strand (A>T on the coding strand, the complement: SAMD9 is on the minus strand). VCF-style: chr7-93105212-T-A. GRCh37 (hg19) VCF-style: chr7-92734525-T-A.
Other names: c.886A>T, p.Asn296Tyr (NM_001193307.2); short protein forms N296Y.
Identifiers: ClinVar variation 4159044 (VCV004159044.1).